The following is an entry in ClinVar:

NM_032119.4(ADGRV1):c.3635-3C>T

Gene: ADGRV1 (adhesion G protein-coupled receptor V1; plus strand). Cytogenetic location: 5q14.3.
Variant type: single nucleotide variant.
Coding change: c.3635-3C>T on transcript NM_032119.4 (MANE Select); 3 bases into the intron before coding-DNA position 3635, C replaced by T.
Molecular consequence: intron variant.
Genome position (GRCh38, 1-based): chr5:90,653,206, C>T. VCF-style: chr5-90653206-C-T. GRCh37 (hg19) VCF-style: chr5-89949023-C-T.
Identifiers: ClinVar variation 2110722 (VCV002110722.4), dbSNP rs2532083257, ClinGen allele CA2580073720.

ClinVar aggregate classification (germline): Uncertain significance (1 of 4 stars; one submission).

Allele frequency attached by ClinVar (database versions not stated): gnomAD exomes below 0.00001.
gnomAD v4.1: 1 of 1,597,182 alleles (0.000063%); highest among the groups gnomAD compares: East Asian, 0.0022%; no homozygotes.

Submission:

Labcorp Genetics (formerly Invitae), Labcorp
Classification: Uncertain significance. Last evaluated: 2024-02-23. Review status: criteria provided, single submitter. Criteria: Invitae Variant Classification Sherloc (09022015). Collection method: clinical testing. Allele origin: germline.
Comment: This sequence change falls in intron 19 of the ADGRV1 gene. It does not directly change the encoded amino acid sequence of the ADGRV1 protein. It affects a nucleotide within the consensus splice site. This variant is not present in population databases (gnomAD no frequency). This variant has not been reported in the literature in individuals affected with ADGRV1-related conditions. ClinVar contains an entry for this variant (Variation ID: 2110722). Variants that disrupt the consensus splice site are a relatively common cause of aberrant splicing (PMID: 17576681, 9536098). Algorithms developed to predict the effect of sequence changes on RNA splicing suggest that this variant is not likely to affect RNA splicing. In summary, the available evidence is currently insufficient to determine the role of this variant in disease. Therefore, it has been classified as a Variant of Uncertain Significance.

Literature cited by the submitters: PubMed 17576681; PubMed 9536098.